The following is an entry in ClinVar:

ClinVar aggregate classification (germline): Likely benign (1 of 4 stars; one submission).

gnomAD v4.1: 1 of 1,531,466 alleles (0.000065%); highest among the groups gnomAD compares: Non-Finnish European, 0.000088%; no homozygotes.

Submission:

CeGaT Center for Human Genetics Tuebingen
Classification: Likely benign. Last evaluated: 2026-09-01. Review status: criteria provided, single submitter. Criteria: CeGaT Center For Human Genetics Tuebingen Variant Classification Criteria Version 2. Collection method: clinical testing. Allele origin: germline. Affected: yes. Observed: 1 variant allele.
Comment: CACNA1A: BP4, BP7

NM_001127222.2(CACNA1A):c.3405C>T (p.Gly1135=)

Gene: CACNA1A (calcium voltage-gated channel subunit alpha1 A; minus strand). Cytogenetic location: 19p13.13.
Variant type: single nucleotide variant.
Coding change: c.3405C>T on transcript NM_001127222.2 (MANE Select); coding-DNA position 3405, C replaced by T.
Protein change: p.Gly1135=; no amino-acid change (glycine 1135 retained).
Molecular consequence: synonymous variant.
Genome position (GRCh38, 1-based): chr19:13,286,651, G>A on the plus strand (C>T on the coding strand, the complement: CACNA1A is on the minus strand). VCF-style: chr19-13286651-G-A. GRCh37 (hg19) VCF-style: chr19-13397465-G-A.
Other names: c.3417C>T, p.Gly1139= (NM_000068.4, NM_023035.3); c.3408C>T, p.Gly1136= (NM_001127221.2, NM_001174080.2).
Identifiers: ClinVar variation 5040937 (VCV005040937.1).
Genomic context (GRCh38, chr19:13,286,651, plus strand): 5'-ATTGGTCTGGGTGCCGCTGGGGTTGGTGACGATAAGGCTATTCTCGGGGGTCTTGGGGGG[G>A]CCGGGATTGGATGGGTTCCCCGGGTTGTTGGGCGTCCGGCGGCTGGCGGCGTTCTGGGGG-3'
Protein context (NP_001120694.1, residues 1125-1145): PNNPGNPSNP[Gly1135=]PPKTPENSLI